The following is an entry in ClinVar:

ClinVar aggregate classification (germline): Benign (1 of 4 stars; one submission).

gnomAD v4.1: 16,354 of 1,613,112 alleles (1%); highest among the groups gnomAD compares: Non-Finnish European, 1.2%; 133 homozygotes.

Submission:

CeGaT Center for Human Genetics Tuebingen
Classification: Benign. Last evaluated: 2026-01-01. Review status: criteria provided, single submitter. Criteria: CeGaT Center For Human Genetics Tuebingen Variant Classification Criteria Version 2. Collection method: clinical testing. Allele origin: germline. Affected: yes. Observed: 2 variant alleles.
Comment: UBD: BP4, BS1, BS2

NM_006398.4(UBD):c.358G>A (p.Glu120Lys)

Genes: OR2I1 (olfactory receptor family 2 subfamily I member 1 (gene/pseudogene); plus strand), UBD (ubiquitin like modifier D; minus strand). Cytogenetic location: 6p22.1.
Variant type: single nucleotide variant.
Coding change: c.358G>A on transcript NM_006398.4 (MANE Select); coding-DNA position 358, G replaced by A.
Protein change: p.Glu120Lys; replaces glutamic acid 120 with lysine.
Molecular consequence: missense variant. On other transcripts: 3 prime UTR variant (1).
Genome position (GRCh38, 1-based): chr6:29,556,020, C>T on the plus strand (G>A on the coding strand, the complement: UBD is on the minus strand). VCF-style: chr6-29556020-C-T. GRCh37 (hg19) VCF-style: chr6-29523797-C-T.
Other names: c.*1854C>T (NM_001396058.1); short protein forms E120K.
Identifiers: ClinVar variation 4533421 (VCV004533421.6).
Genomic context (GRCh38, chr6:29,556,020, plus strand): 5'-CCAGTCTCTTTCCATTGCAAGTCACAATCTGGGTCTCAGGGATTATACCCGTCTTAGTCT[C>T]GATCATTGCTTTCACTTGTGCCACTGAGCTGGACCTTCGCACCTGGAGGAGGTGCCTCTT-3'
Protein context (NP_006389.2, residues 110-130): SSVAQVKAMI[Glu120Lys]TKTGIIPETQ